The following is an entry in ClinVar:

NM_152783.5(D2HGDH):c.1307G>T (p.Gly436Val)

Gene: D2HGDH (D-2-hydroxyglutarate dehydrogenase; plus strand). Cytogenetic location: 2q37.3.
Variant type: single nucleotide variant.
Coding change: c.1307G>T on transcript NM_152783.5 (MANE Select); coding-DNA position 1307, G replaced by T.
Protein change: p.Gly436Val; replaces glycine 436 with valine.
Molecular consequence: missense variant. On other transcripts: non-coding transcript variant (1).
Genome position (GRCh38, 1-based): chr2:241,767,710, G>T. VCF-style: chr2-241767710-G-T. GRCh37 (hg19) VCF-style: chr2-242707125-G-T.
Other names: c.905G>T, p.Gly302Val (NM_001287249.2); c.746G>T, p.Gly249Val (NM_001352824.2); short protein forms G436V, G302V, G249V.
Identifiers: ClinVar variation 2203300 (VCV002203300.4), dbSNP rs768061160, ClinGen allele CA351412860.
Genomic context (GRCh38, chr2:241,767,710, plus strand): 5'-AGGAGTGGGGTCCTGGGGGCTGCCCTGCCCAGCCTGACCCATGTGCCCTTGTCCCTCCAG[G>T]AGATGGTAACCTGCACCTCAATGTGACGGCGGAGGCCTTCAGCCCCTCGCTCCTGGCTGC-3'
Protein context (NP_689996.4, residues 426-446): AKHVVGYGHL[Gly436Val]DGNLHLNVTA

ClinVar aggregate classification (germline): Uncertain significance (1 of 4 stars; one submission).

Conditions:
D-2-hydroxyglutaric aciduria 1 (D2HGA1). Identifiers: Orphanet 79315, MedGen C3152055, MONDO:0024554, OMIM 600721.

gnomAD v4.1: 1 of 1,612,820 alleles (0.000062%); highest among the groups gnomAD compares: Admixed American, 0.0017%; no homozygotes.

Submission:

Labcorp Genetics (formerly Invitae), Labcorp
Classification: Uncertain significance for D-2-hydroxyglutaric aciduria 1. Last evaluated: 2023-08-24. Review status: criteria provided, single submitter. Criteria: Invitae Variant Classification Sherloc (09022015). Collection method: clinical testing. Allele origin: germline.
Comment: This sequence change replaces glycine, which is neutral and non-polar, with valine, which is neutral and non-polar, at codon 436 of the D2HGDH protein (p.Gly436Val). The frequency data for this variant in the population databases is considered unreliable, as metrics indicate poor data quality at this position in the gnomAD database. This missense change has been observed in individual(s) with clinical features of D-2-hydroxyglutaric aciduria (PMID: 16442322). ClinVar contains an entry for this variant (Variation ID: 2203300). An algorithm developed to predict the effect of missense changes on protein structure and function (PolyPhen-2) suggests that this variant is likely to be disruptive. Experimental studies are conflicting or provide insufficient evidence to determine the effect of this variant on D2HGDH function (PMID: 30908763, 33431826). Algorithms developed to predict the effect of sequence changes on RNA splicing suggest that this variant may create or strengthen a splice site. In summary, the available evidence is currently insufficient to determine the role of this variant in disease. Therefore, it has been classified as a Variant of Uncertain Significance.

Literature cited by the submitters: PubMed 16442322; PubMed 30908763; PubMed 33431826.